The following is an entry in ClinVar:

NM_206933.4(USH2A):c.1551-1G>A

Gene: USH2A (usherin; minus strand). Cytogenetic location: 1q41.
Variant type: single nucleotide variant.
Coding change: c.1551-1G>A on transcript NM_206933.4 (MANE Select); the canonical splice acceptor site of the intron before coding-DNA position 1551, G replaced by A.
Molecular consequence: splice acceptor variant.
Genome position (GRCh38, 1-based): chr1:216,321,977, C>T on the plus strand (G>A on the coding strand, the complement: USH2A is on the minus strand). VCF-style: chr1-216321977-C-T. GRCh37 (hg19) VCF-style: chr1-216495319-C-T.
Other names: c.1551-1G>A (NM_007123.6, NM_206933.2).
Identifiers: ClinVar variation 2780275 (VCV002780275.6), dbSNP rs2037622753, ClinGen allele CA344908310.

ClinVar aggregate classification (germline): Likely pathogenic. Review status: criteria provided, multiple submitters, no conflicts (2 of 4 stars). 4 submissions from 4 submitters: Likely pathogenic (4). Last evaluated 2024-07-01.

Conditions:
USH2A-related disorder. Also called: USH2A-related disorders; USH2A-related condition. Identifiers: MedGen CN239332.
Usher syndrome type 2A. Also called: RETINAL DISEASE IN USHER SYNDROME TYPE IIA, MODIFIER OF; USHER SYNDROME, TYPE IIA. Identifiers: Orphanet 231178, Orphanet 886, MedGen C1848634, MONDO:0010169, OMIM 276901.
Retinitis pigmentosa 39 (RP39). Identifiers: Orphanet 791, MedGen C3151138, MONDO:0013436, OMIM 613809.

Allele frequency attached by ClinVar (database versions not stated): gnomAD exomes below 0.00001; TOPMed below 0.00001.
gnomAD v4.1: 1 of 1,613,812 alleles (0.000062%); highest among the groups gnomAD compares: Non-Finnish European, 0.000085%; no homozygotes.

Submissions (4):

Natera, Inc.
Classification: Likely pathogenic for Usher syndrome type 2A. Last evaluated: 2024-07-01. Review status: criteria provided, single submitter. Criteria: Natera Variant Classification Schema (03/2026). Collection method: clinical testing. Allele origin: germline.
Comment: The c.1551-1G>A variant in USH2A is a canonical splice acceptor site variant predicted to affect pre-mRNA splicing, which may result in an abnormal transcript and altered protein product. This variant is expected to result in nonsense mediated decay, truncation, or a dysfunctional protein product. This variant is rare in the general population with a frequency below the threshold expected for the associated phenotype(s). Given the available evidence, this variant is classified as Likely Pathogenic.

Fulgent Genetics
Classification: Likely pathogenic for Usher syndrome type 2A; Retinitis pigmentosa 39. Last evaluated: 2024-04-30. Review status: criteria provided, single submitter. Criteria: ACMG Guidelines, 2015. Collection method: clinical testing. Allele origin: germline.

Labcorp Genetics (formerly Invitae), Labcorp
Classification: Likely pathogenic. Last evaluated: 2024-04-29. Review status: criteria provided, single submitter. Criteria: Invitae Variant Classification Sherloc (09022015). Collection method: clinical testing. Allele origin: germline.
Comment: This sequence change affects an acceptor splice site in intron 8 of the USH2A gene. It is expected to disrupt RNA splicing. Variants that disrupt the donor or acceptor splice site typically lead to a loss of protein function (PMID: 16199547), and loss-of-function variants in USH2A are known to be pathogenic (PMID: 10729113, 10909849, 20507924, 25649381). This variant is not present in population databases (gnomAD no frequency). This variant has not been reported in the literature in individuals affected with USH2A-related conditions. Algorithms developed to predict the effect of sequence changes on RNA splicing suggest that this variant may disrupt the consensus splice site. In summary, the currently available evidence indicates that the variant is pathogenic, but additional data are needed to prove that conclusively. Therefore, this variant has been classified as Likely Pathogenic.

Blueprint Genetics
Classification: Likely pathogenic for USH2A-related disorders. Last evaluated: 2017-06-29. Review status: criteria provided, single submitter. Criteria: ACMG Guidelines, 2015. Collection method: clinical testing. Allele origin: germline. Affected: yes. Observed: 1 variant allele.

Literature cited by the submitters: PubMed 16199547 (cited by Labcorp Genetics (formerly Invitae), Labcorp); PubMed 10729113 (cited by Labcorp Genetics (formerly Invitae), Labcorp); PubMed 10909849 (cited by Labcorp Genetics (formerly Invitae), Labcorp); PubMed 20507924 (cited by Labcorp Genetics (formerly Invitae), Labcorp); PubMed 25649381 (cited by Labcorp Genetics (formerly Invitae), Labcorp).